The following is an entry in ClinVar:

NM_001354604.2(MITF):c.723del (p.Leu242fs)

Gene: MITF (melanocyte inducing transcription factor; plus strand). Cytogenetic location: 3p13.
Variant type: Deletion.
Coding change: c.723del on transcript NM_001354604.2 (MANE Select); coding-DNA position 723, one base deleted (C; older notation c.723delC).
Protein change: p.Leu242fs; shifts the reading frame from leucine 242.
Molecular consequence: frameshift variant.
Genome position (GRCh38, 1-based): chr3:69,941,292, C deleted. VCF-style (leftmost placement, unchanged base first): chr3-69941291-TC-T. GRCh37 (hg19) VCF-style: chr3-69990442-TC-T.
Other names: c.402del, p.Leu135fs (NM_000248.4, NM_198158.3); c.567del, p.Leu190fs (NM_001184967.2, NM_001354608.2); c.720del, p.Leu241fs (NM_001354605.2, NM_001354606.2, NM_006722.3); c.672del, p.Leu225fs (NM_001354607.2); c.723del, p.Leu242fs (NM_198159.3); c.675del, p.Leu226fs (NM_198177.3); c.234del, p.Leu79fs (NM_198178.3); short protein forms L135fs, L190fs, L225fs, L226fs, L241fs, L242fs, L79fs.
Identifiers: ClinVar variation 3601244 (VCV003601244.1).

ClinVar aggregate classification (germline): Pathogenic (1 of 4 stars; one submission).

Conditions:
Waardenburg syndrome type 2A (WS2A). Also called: WAARDENBURG SYNDROME WITHOUT DYSTOPIA CANTHORUM. Identifiers: Orphanet 3440, MedGen C1860339, MONDO:0008671, OMIM 193510.

Submission:

Institute of Rare Diseases, West China Hospital, Sichuan University
Classification: Pathogenic for Waardenburg syndrome type 2A. Last evaluated: 2025-01-09. Review status: criteria provided, single submitter. Criteria: ClinGen HL ACMG Specifications v1. Collection method: research. Allele origin: germline. Affected: yes.
Comment: PM1;PVS1;PM2_Supporting